The following is an entry in ClinVar:

ClinVar aggregate classification (germline): Pathogenic (1 of 4 stars; one submission).

Conditions:
Primary ciliary dyskinesia 3. Identifiers: Orphanet 244, MedGen C1837618, MONDO:0012085, OMIM 608644.

Submission:

Myriad Genetics, Inc.
Classification: Pathogenic for Primary ciliary dyskinesia 3. Last evaluated: 2023-12-15. Review status: criteria provided, single submitter. Criteria: Myriad Autosomal Dominant, Autosomal Recessive and X-Linked Classification Criteria (2023). Collection method: clinical testing. Allele origin: unknown.
Comment: NM_001369.2(DNAH5):c.757_759delATAinsTT(I253Lfs*5) is expected to be pathogenic in the context of primary ciliary dyskinesia, DNAH5-related. This variant is predicted to lead to an abnormal or absent protein product due to the creation of a premature termination codon in DNAH5, a gene where loss-of-function variants are known to be pathogenic. Please note: this variant was assessed in the context of healthy population screening.

NM_001369.3(DNAH5):c.757_759delinsTT (p.Ile253fs)

Gene: DNAH5 (dynein axonemal heavy chain 5; minus strand). Cytogenetic location: 5p15.2.
Variant type: Indel.
Coding change: c.757_759delinsTT on transcript NM_001369.3 (MANE Select); coding-DNA positions 757 to 759, ATA replaced by TT.
Protein change: p.Ile253fs; shifts the reading frame from isoleucine 253.
Molecular consequence: frameshift variant.
Genome position (GRCh38, 1-based): chr5:13,920,519-13,920,521, TAT replaced by AA on the plus strand (ATA replaced by TT on the coding strand, the reverse complement: DNAH5 is on the minus strand). VCF-style: chr5-13920519-TAT-AA. GRCh37 (hg19) VCF-style: chr5-13920628-TAT-AA.
Other names: short protein forms I253fs.
Identifiers: ClinVar variation 5012576 (VCV005012576.1).